The following is an entry in ClinVar:

ClinVar aggregate classification (germline): Uncertain significance (1 of 4 stars; one submission).

Conditions:
Ullrich congenital muscular dystrophy 2 (UCMD2). Identifiers: Orphanet 75840, MedGen C4225314, MONDO:0014654, OMIM 616470.
Bethlem myopathy 2 (BTHLM2). Identifiers: Orphanet 536516, Orphanet 610, MedGen C4225313, MONDO:0034022, OMIM 616471.

Submission:

Labcorp Genetics (formerly Invitae), Labcorp
Classification: Uncertain significance for Bethlem myopathy 2; Ullrich congenital muscular dystrophy 2. Last evaluated: 2023-08-09. Review status: criteria provided, single submitter. Criteria: Invitae Variant Classification Sherloc (09022015). Collection method: clinical testing. Allele origin: germline.
Comment: This variant is not present in population databases (gnomAD no frequency). ClinVar contains an entry for this variant (Variation ID: 2004969). This variant has not been reported in the literature in individuals affected with COL12A1-related conditions. This sequence change replaces proline, which is neutral and non-polar, with leucine, which is neutral and non-polar, at codon 384 of the COL12A1 protein (p.Pro384Leu). Advanced modeling of protein sequence and biophysical properties (such as structural, functional, and spatial information, amino acid conservation, physicochemical variation, residue mobility, and thermodynamic stability) performed at Invitae indicates that this missense variant is not expected to disrupt COL12A1 protein function. In summary, the available evidence is currently insufficient to determine the role of this variant in disease. Therefore, it has been classified as a Variant of Uncertain Significance.

NM_004370.6(COL12A1):c.1151C>T (p.Pro384Leu)

Gene: COL12A1 (collagen type XII alpha 1 chain; minus strand). Cytogenetic location: 6q13.
Variant type: single nucleotide variant.
Coding change: c.1151C>T on transcript NM_004370.6 (MANE Select); coding-DNA position 1151, C replaced by T.
Protein change: p.Pro384Leu; replaces proline 384 with leucine.
Molecular consequence: missense variant. On other transcripts: intron variant (1).
Genome position (GRCh38, 1-based): chr6:75,183,991, G>A on the plus strand (C>T on the coding strand, the complement: COL12A1 is on the minus strand). VCF-style: chr6-75183991-G-A. GRCh37 (hg19) VCF-style: chr6-75893707-G-A.
Other names: c.73+18729C>T (NM_080645.3); short protein forms P384L.
Identifiers: ClinVar variation 2004969 (VCV002004969.4), dbSNP rs2533572566, ClinGen allele CA364773358.